The following is an entry in ClinVar:

ClinVar aggregate classification (germline): Pathogenic (1 of 4 stars; one submission).

Conditions:
Hereditary cancer-predisposing syndrome. Also called: Hereditary Cancer Syndrome; Hereditary neoplastic syndrome; Neoplastic Syndromes, Hereditary; Tumor predisposition. Identifiers: Orphanet 140162, MedGen C0027672, MeSH D009386, MONDO:0015356.

Submission:

Ambry Genetics
Classification: Pathogenic for Hereditary cancer-predisposing syndrome. Last evaluated: 2021-07-09. Review status: criteria provided, single submitter. Criteria: Ambry Variant Classification Scheme 2023. Collection method: clinical testing. Allele origin: germline.
Comment: The c.144delA pathogenic mutation, located in coding exon 1 of the RAD51C gene, results from a deletion of one nucleotide at nucleotide position 144, causing a translational frameshift with a predicted alternate stop codon (p.E49Kfs*10). This alteration is expected to result in loss of function by premature protein truncation or nonsense-mediated mRNA decay. As such, this alteration is interpreted as a disease-causing mutation.

NM_058216.3(RAD51C):c.144del (p.Glu49fs)

Gene: RAD51C (RAD51 paralog C; plus strand). Cytogenetic location: 17q22.
Variant type: Deletion.
Coding change: c.144del on transcript NM_058216.3 (MANE Select); coding-DNA position 144, one base deleted (A; older notation c.144delA).
Protein change: p.Glu49fs; shifts the reading frame from glutamic acid 49.
Molecular consequence: frameshift variant. On other transcripts: non-coding transcript variant (1).
Genome position (GRCh38, 1-based): chr17:58,692,787, A deleted; the last of 3 consecutive A bases (chr17:58,692,785-58,692,787); deleting any one gives the same sequence. VCF-style (leftmost placement, unchanged base first): chr17-58692784-CA-C. GRCh37 (hg19) VCF-style: chr17-56770145-CA-C.
Other names: c.144del, p.Glu49fs (NM_002876.4); c.144delA, p.Glu49Lysfs (NM_058217.1); short protein forms E49fs.
Identifiers: ClinVar variation 1772898 (VCV001772898.2), dbSNP rs2509262617, ClinGen allele CA2580094340.
Genomic context (GRCh38, chr17:58,692,784, plus strand): 5'-GGTGTCTGCGGGGTTCCAGACTGCTGAGGAACTCCTAGAGGTGAAACCCTCCGAGCTTAG[CA>C]AAGGTAACGACTCCTGATGGCAAGCTGAGGCACACCGGCCGCCGTCAGCGCCGCCTCAGT-3'